The following is an entry in ClinVar:

ClinVar aggregate classification (germline): Conflicting classifications of pathogenicity. Review status: criteria provided, conflicting classifications (1 of 4 stars). 2 submissions from 2 submitters: Uncertain significance (1); Likely benign (1). Last evaluated 2025-05-27.

Conditions:
AFF4-related disorder. Also called: AFF4-related condition.

Allele frequency attached by ClinVar (database versions not stated): gnomAD exomes below 0.00001; ExAC 0.00001; TOPMed 0.00002; gnomAD 0.00003 and 0.00004; ESP Exome Variant Server 0.00008.
gnomAD v4.1: 6 of 1,613,634 alleles (0.00037%); highest among the groups gnomAD compares: African/African-American, 0.008%; no homozygotes.

Submissions (2):

PreventionGenetics, part of Exact Sciences
Classification: Likely benign for AFF4-related condition. Last evaluated: 2025-05-27. Review status: criteria provided, single submitter. Criteria: ACMG Guidelines, 2015. Collection method: clinical testing. Allele origin: germline.
Comment: This variant is classified as likely benign based on ACMG/AMP sequence variant interpretation guidelines (Richards et al. 2015 PMID: 25741868, with internal and published modifications).

Genetic Services Laboratory, University of Chicago
Classification: Uncertain significance. Last evaluated: 2021-11-29. Review status: criteria provided, single submitter. Criteria: ACMG Guidelines, 2015. Collection method: clinical testing. Allele origin: germline. Affected: no.

NM_014423.4(AFF4):c.2817T>C (p.Ala939=)

Gene: AFF4 (ALF transcription elongation factor 4; minus strand). Cytogenetic location: 5q31.1.
Variant type: single nucleotide variant.
Coding change: c.2817T>C on transcript NM_014423.4 (MANE Select); coding-DNA position 2817, T replaced by C.
Protein change: p.Ala939=; no amino-acid change (alanine 939 retained).
Molecular consequence: synonymous variant.
Genome position (GRCh38, 1-based): chr5:132,887,962, A>G on the plus strand (T>C on the coding strand, the complement: AFF4 is on the minus strand). VCF-style: chr5-132887962-A-G. GRCh37 (hg19) VCF-style: chr5-132223654-A-G.
Identifiers: ClinVar variation 1338148 (VCV001338148.5), dbSNP rs140405448, ClinGen allele CA3408805.